The following is an entry in ClinVar:

NM_005340.7(HINT1):c.111+207C>T

Gene: HINT1 (histidine triad nucleotide binding protein 1; minus strand). Cytogenetic location: 5q23.3.
Variant type: single nucleotide variant.
Coding change: c.111+207C>T on transcript NM_005340.7 (MANE Select); 207 bases into the intron after coding-DNA position 111, C replaced by T.
Molecular consequence: intron variant.
Genome position (GRCh38, 1-based): chr5:131,164,888, G>A on the plus strand (C>T on the coding strand, the complement: HINT1 is on the minus strand). VCF-style: chr5-131164888-G-A. GRCh37 (hg19) VCF-style: chr5-130500581-G-A.
Identifiers: ClinVar variation 677303 (VCV000677303.1), dbSNP rs112487594, ClinGen allele CA12087293.
Genomic context (GRCh38, chr5:131,164,888, plus strand): 5'-GGCCCCGCGGTGCGGCACTCAGGGCGCCCGGCGGCCTGGCCCGCGCCCGGGGCAGATAAC[G>A]AGTAACCGGAGCGCCGGCACGCGCCGGCAGGCCGCCTCGGAGTGCCCGGGCCCTGTCCGC-3'

ClinVar aggregate classification (germline): Benign (1 of 4 stars; one submission).

Allele frequency attached by ClinVar (database versions not stated): gnomAD 0.04430 and 0.04596; TOPMed 0.04886; 1000 Genomes Project 0.05491; 1000 Genomes Project 30x 0.05543.
gnomAD v4.1: 6,705 of 151,880 alleles (4.4%); highest among the groups gnomAD compares: African/African-American, 13%; 370 homozygotes.

Submission:

GeneDx
Classification: Benign. Last evaluated: 2018-06-16. Review status: criteria provided, single submitter. Criteria: GeneDx Variant Classification (06012015). Collection method: clinical testing. Allele origin: germline. Affected: yes.
Comment: This variant is considered likely benign or benign based on one or more of the following criteria: it is a conservative change, it occurs at a poorly conserved position in the protein, it is predicted to be benign by multiple in silico algorithms, and/or has population frequency not consistent with disease.